The following is an entry in ClinVar:

ClinVar aggregate classification (germline): Likely pathogenic (1 of 4 stars; one submission).

Conditions:
Non-obstructive azoospermia. Identifiers: MedGen C4021107, HP:0011961.

Submission:

Institute of Reproductive Genetics, University of Münster
Classification: Likely pathogenic for Non-obstructive azoospermia. Last evaluated: 2021-03-01. Review status: criteria provided, single submitter. Criteria: ACMG Guidelines, 2015. Collection method: research. Allele origin: unknown. Inheritance: Autosomal dominant inheritance. Affected: yes. Observed: 1 variant allele, 1 heterozygote.
Comment: PS3, PM2, PP3

NM_001039111.3(TRIM71):c.224_240dup (p.Gly81fs)

Gene: TRIM71 (tripartite motif containing 71; plus strand). Cytogenetic location: 3p22.3.
Variant type: Duplication.
Coding change: c.224_240dup on transcript NM_001039111.3 (MANE Select); coding-DNA positions 224 to 240, 17 bases duplicated (TGCCGGCGGCGGGCGGC).
Protein change: p.Gly81fs; shifts the reading frame from glycine 81.
Molecular consequence: frameshift variant.
Genome position (GRCh38, 1-based): chr3:32,818,304-32,818,320, TGCCGGCGGCGGGCGGC duplicated; duplicating any 17 consecutive bases within chr3:32,818,300-32,818,320 gives the same sequence; the c. name uses the placement nearest the transcript's 3' end. VCF-style (leftmost placement, unchanged base first): chr3-32818299-C-CCGGCTGCCGGCGGCGGG. GRCh37 (hg19) VCF-style: chr3-32859791-C-CCGGCTGCCGGCGGCGGG.
Other names: short protein forms G81fs.
Identifiers: ClinVar variation 996339 (VCV000996339.3), dbSNP rs1696081301, ClinGen allele CA1355886029.